The following is an entry in ClinVar:

NM_018127.7(ELAC2):c.259T>C (p.Cys87Arg)

Gene: ELAC2 (elaC ribonuclease Z 2; minus strand). Cytogenetic location: 17p12.
Variant type: single nucleotide variant.
Coding change: c.259T>C on transcript NM_018127.7 (MANE Select); coding-DNA position 259, T replaced by C.
Protein change: p.Cys87Arg; replaces cysteine 87 with arginine.
Molecular consequence: missense variant.
Genome position (GRCh38, 1-based): chr17:13,017,108, A>G on the plus strand (T>C on the coding strand, the complement: ELAC2 is on the minus strand). VCF-style: chr17-13017108-A-G. GRCh37 (hg19) VCF-style: chr17-12920425-A-G.
Other names: c.259T>C, p.Cys87Arg (NM_001165962.2, NM_173717.2); c.259T>C (NM_018127.6); short protein forms C87R.
Identifiers: ClinVar variation 1365091 (VCV001365091.5), dbSNP rs753052433, ClinGen allele CA8401760.

ClinVar aggregate classification (germline): Uncertain significance. Review status: criteria provided, multiple submitters, no conflicts (2 of 4 stars). 2 submissions from 2 submitters: Uncertain significance (2). Last evaluated 2025-02-14.

Conditions:
Combined oxidative phosphorylation defect type 17. Also called: Combined oxidative phosphorylation deficiency 17. Identifiers: Orphanet 369913, MedGen C3809526, MONDO:0014190, OMIM 615440.
Inborn genetic diseases. Identifiers: MedGen C0950123, MeSH D030342.

Allele frequency attached by ClinVar (database versions not stated): ExAC 0.00001; gnomAD 0.00001; gnomAD exomes 0.00001 and 0.00002; TOPMed 0.00001.
gnomAD v4.1: 35 of 1,613,896 alleles (0.0022%); highest among the groups gnomAD compares: Non-Finnish European, 0.0027%; no homozygotes.

Submissions (2):

Ambry Genetics
Classification: Uncertain significance for Inborn genetic diseases. Last evaluated: 2025-02-14. Review status: criteria provided, single submitter. Criteria: Ambry Variant Classification Scheme 2023. Collection method: clinical testing. Allele origin: germline.

Labcorp Genetics (formerly Invitae), Labcorp
Classification: Uncertain significance for Combined oxidative phosphorylation defect type 17. Last evaluated: 2021-10-04. Review status: criteria provided, single submitter. Criteria: Invitae Variant Classification Sherloc (09022015). Collection method: clinical testing. Allele origin: germline.
Comment: In summary, the available evidence is currently insufficient to determine the role of this variant in disease. Therefore, it has been classified as a Variant of Uncertain Significance. Algorithms developed to predict the effect of missense changes on protein structure and function are either unavailable or do not agree on the potential impact of this missense change (SIFT: "Deleterious"; PolyPhen-2: "Probably Damaging"; Align-GVGD: "Class C0"). This variant has not been reported in the literature in individuals affected with ELAC2-related conditions. This variant is present in population databases (rs753052433, ExAC 0.002%). This sequence change replaces cysteine with arginine at codon 87 of the ELAC2 protein (p.Cys87Arg). The cysteine residue is moderately conserved and there is a large physicochemical difference between cysteine and arginine.